The following is an entry in ClinVar:

ClinVar aggregate classification (germline): Conflicting classifications of pathogenicity. Review status: criteria provided, conflicting classifications (1 of 4 stars). 3 submissions from 3 submitters: Uncertain significance (1); Likely benign (2). Last evaluated 2025-12-16.

Conditions:
Bethlem myopathy 1A. Also called: Bethlem myopathy 1; MYOPATHY, BENIGN CONGENITAL, WITH CONTRACTURES; Bethlem Muscular Dystrophy. Identifiers: Orphanet 610, MedGen CN029274, MONDO:0024530, OMIM 158810.

Allele frequency attached by ClinVar (database versions not stated): ExAC 0.00002; gnomAD 0.00002 and 0.00003; gnomAD exomes 0.00002 and 0.00003; TOPMed 0.00005.
gnomAD v4.1: 49 of 1,614,186 alleles (0.003%); highest among the groups gnomAD compares: African/African-American, 0.0053%; no homozygotes.

Submissions (3):

Labcorp Genetics (formerly Invitae), Labcorp
Classification: Likely benign for Bethlem myopathy 1A. Last evaluated: 2025-12-16. Review status: criteria provided, single submitter. Criteria: Invitae Variant Classification Sherloc (09022015). Collection method: clinical testing. Allele origin: germline.

GeneDx
Classification: Likely benign. Last evaluated: 2016-12-27. Review status: criteria provided, single submitter. Criteria: GeneDx Variant Classification (06012015). Collection method: clinical testing. Allele origin: germline. Affected: yes.
Comment: This variant is considered likely benign or benign based on one or more of the following criteria: it is a conservative change, it occurs at a poorly conserved position in the protein, it is predicted to be benign by multiple in silico algorithms, and/or has population frequency not consistent with disease.

Eurofins Ntd Llc (ga)
Classification: Uncertain significance. Last evaluated: 2015-09-08. Review status: criteria provided, single submitter. Criteria: EGL Classification Definitions 2015. Collection method: clinical testing. Allele origin: germline. Observed: 2 variant alleles, 2 heterozygotes.

NM_004369.4(COL6A3):c.2343G>A (p.Ala781=)

Gene: COL6A3 (collagen type VI alpha 3 chain; minus strand). Cytogenetic location: 2q37.3.
Variant type: single nucleotide variant.
Coding change: c.2343G>A on transcript NM_004369.4 (MANE Select); coding-DNA position 2343, G replaced by A.
Protein change: p.Ala781=; no amino-acid change (alanine 781 retained).
Molecular consequence: synonymous variant. On other transcripts: intron variant (1).
Genome position (GRCh38, 1-based): chr2:237,378,790, C>T on the plus strand (G>A on the coding strand, the complement: COL6A3 is on the minus strand). VCF-style: chr2-237378790-C-T. GRCh37 (hg19) VCF-style: chr2-238287433-C-T.
Other names: c.1122G>A, p.Ala374= (NM_057164.5); c.1725G>A, p.Ala575= (NM_057165.5, NM_057167.4); c.677-1446G>A (NM_057166.5).
Identifiers: ClinVar variation 281225 (VCV000281225.13), dbSNP rs561804945, ClinGen allele CA2189424.